The following is an entry in ClinVar:

NM_015909.4(NBAS):c.4085C>G (p.Thr1362Arg)

Gene: NBAS (NBAS subunit of NRZ tethering complex; minus strand). Cytogenetic location: 2p24.3.
Variant type: single nucleotide variant.
Coding change: c.4085C>G on transcript NM_015909.4 (MANE Select); coding-DNA position 4085, C replaced by G.
Protein change: p.Thr1362Arg; replaces threonine 1362 with arginine.
Molecular consequence: missense variant. On other transcripts: non-coding transcript variant (1).
Genome position (GRCh38, 1-based): chr2:15,353,557, G>C on the plus strand (C>G on the coding strand, the complement: NBAS is on the minus strand). VCF-style: chr2-15353557-G-C. GRCh37 (hg19) VCF-style: chr2-15493681-G-C.
Other names: short protein forms T1362R.
Identifiers: ClinVar variation 1486077 (VCV001486077.3), dbSNP rs144520644, ClinGen allele CA345889165.

ClinVar aggregate classification (germline): Uncertain significance (1 of 4 stars; one submission).

gnomAD v4.1: 7 of 1,613,976 alleles (0.00043%); highest among the groups gnomAD compares: Non-Finnish European, 0.00059%; no homozygotes.

Submission:

Labcorp Genetics (formerly Invitae), Labcorp
Classification: Uncertain significance. Last evaluated: 2022-08-09. Review status: criteria provided, single submitter. Criteria: Invitae Variant Classification Sherloc (09022015). Collection method: clinical testing. Allele origin: germline.
Comment: This sequence change replaces threonine, which is neutral and polar, with arginine, which is basic and polar, at codon 1362 of the NBAS protein (p.Thr1362Arg). This variant is not present in population databases (gnomAD no frequency). This variant has not been reported in the literature in individuals affected with NBAS-related conditions. ClinVar contains an entry for this variant (Variation ID: 1486077). Algorithms developed to predict the effect of missense changes on protein structure and function are either unavailable or do not agree on the potential impact of this missense change (SIFT: "Deleterious"; PolyPhen-2: "Benign"; Align-GVGD: "Class C65"). In summary, the available evidence is currently insufficient to determine the role of this variant in disease. Therefore, it has been classified as a Variant of Uncertain Significance.